The following is an entry in ClinVar:

ClinVar aggregate classification (germline): Uncertain significance (1 of 4 stars; one submission).

Conditions:
Hereditary cancer-predisposing syndrome. Also called: Neoplastic Syndromes, Hereditary; Tumor predisposition; Hereditary Cancer Syndrome; Hereditary neoplastic syndrome. Identifiers: Orphanet 140162, MedGen C0027672, MeSH D009386, MONDO:0015356.

Submission:

Ambry Genetics
Classification: Uncertain significance for Hereditary cancer-predisposing syndrome. Last evaluated: 2024-12-06. Review status: criteria provided, single submitter. Criteria: Ambry Variant Classification Scheme 2023. Collection method: clinical testing. Allele origin: germline.
Comment: The p.K1926I variant (also known as c.5777A>T), located in coding exon 42 of the POLE gene, results from an A to T substitution at nucleotide position 5777. The lysine at codon 1926 is replaced by isoleucine, an amino acid with dissimilar properties. This amino acid position is conserved. In addition, this alteration is predicted to be tolerated by in silico analysis. Based on the available evidence, the clinical significance of this variant remains unclear.

NM_006231.4(POLE):c.5777A>T (p.Lys1926Ile)

Gene: POLE (DNA polymerase epsilon, catalytic subunit; minus strand). Cytogenetic location: 12q24.33.
Variant type: single nucleotide variant.
Coding change: c.5777A>T on transcript NM_006231.4 (MANE Select); coding-DNA position 5777, A replaced by T.
Protein change: p.Lys1926Ile; replaces lysine 1926 with isoleucine.
Molecular consequence: missense variant.
Genome position (GRCh38, 1-based): chr12:132,635,926, T>A on the plus strand (A>T on the coding strand, the complement: POLE is on the minus strand). VCF-style: chr12-132635926-T-A. GRCh37 (hg19) VCF-style: chr12-133212512-T-A.
Other names: short protein forms K1926I.
Identifiers: ClinVar variation 3422236 (VCV003422236.1).